The following is an entry in ClinVar:

ClinVar aggregate classification (germline): Uncertain significance (1 of 4 stars; one submission).

Conditions:
Parathyroid carcinoma (PRTC). Also called: CDC73-Related Parathyroid Carcinoma; Parathyroid gland carcinoma. Identifiers: Orphanet 143, MedGen C0687150, MONDO:0012004, OMIM 608266, HP:0006780.

Submission:

Labcorp Genetics (formerly Invitae), Labcorp
Classification: Uncertain significance for Parathyroid carcinoma. Last evaluated: 2023-06-04. Review status: criteria provided, single submitter. Criteria: Invitae Variant Classification Sherloc (09022015). Collection method: clinical testing. Allele origin: germline.
Comment: In summary, the available evidence is currently insufficient to determine the role of this variant in disease. Therefore, it has been classified as a Variant of Uncertain Significance. Algorithms developed to predict the effect of sequence changes on RNA splicing suggest that this variant may disrupt the consensus splice site. This variant has not been reported in the literature in individuals affected with CDC73-related conditions. This variant is not present in population databases (gnomAD no frequency). This sequence change falls in intron 13 of the CDC73 gene. It does not directly change the encoded amino acid sequence of the CDC73 protein.

NM_024529.5(CDC73):c.1155-17T>G

Gene: CDC73 (cell division cycle 73; plus strand). Cytogenetic location: 1q31.2.
Variant type: single nucleotide variant.
Coding change: c.1155-17T>G on transcript NM_024529.5 (MANE Select); 17 bases into the intron before coding-DNA position 1155, T replaced by G.
Molecular consequence: intron variant.
Genome position (GRCh38, 1-based): chr1:193,232,976, T>G. VCF-style: chr1-193232976-T-G. GRCh37 (hg19) VCF-style: chr1-193202106-T-G.
Identifiers: ClinVar variation 2764860 (VCV002764860.3), dbSNP rs2527493654, ClinGen allele CA2697554773.